The following is an entry in ClinVar:

NM_004369.4(COL6A3):c.5119A>C (p.Asn1707His)

Gene: COL6A3 (collagen type VI alpha 3 chain; minus strand). Cytogenetic location: 2q37.3.
Variant type: single nucleotide variant.
Coding change: c.5119A>C on transcript NM_004369.4 (MANE Select); coding-DNA position 5119, A replaced by C.
Protein change: p.Asn1707His; replaces asparagine 1707 with histidine.
Molecular consequence: missense variant.
Genome position (GRCh38, 1-based): chr2:237,367,068, T>G on the plus strand (A>C on the coding strand, the complement: COL6A3 is on the minus strand). VCF-style: chr2-237367068-T-G. GRCh37 (hg19) VCF-style: chr2-238275711-T-G.
Other names: c.3298A>C, p.Asn1100His (NM_057166.5); c.4501A>C, p.Asn1501His (NM_057167.4); short protein forms N1707H, N1100H, N1501H.
Identifiers: ClinVar variation 4693485 (VCV004693485.1).
Genomic context (GRCh38, chr2:237,367,068, plus strand): 5'-GCAGGTGCTCAAGGCCCACCTTAGTGTTGGCGTGTCTTCCCCCTTTGTAGACCACTTTGT[T>G]GATGGCGTCAATAATCTGCCTCTTGGTAGAGAAGTCCTTCAGGAAGAATTCGTCAGTGGG-3'
Protein context (NP_004360.2, residues 1697-1717): STKRQIIDAI[Asn1707His]KVVYKGGRHA

ClinVar aggregate classification (germline): Uncertain significance (1 of 4 stars; one submission).

Conditions:
Bethlem myopathy 1A. Also called: MYOPATHY, BENIGN CONGENITAL, WITH CONTRACTURES; Bethlem myopathy 1; Bethlem Muscular Dystrophy. Identifiers: Orphanet 610, MedGen CN029274, MONDO:0024530, OMIM 158810.

gnomAD v4.1: 2 of 1,614,268 alleles (0.00012%); highest among the groups gnomAD compares: South Asian, 0.0022%; no homozygotes.

Submission:

Labcorp Genetics (formerly Invitae), Labcorp
Classification: Uncertain significance for Bethlem myopathy 1A. Last evaluated: 2025-12-31. Review status: criteria provided, single submitter. Criteria: Invitae Variant Classification Sherloc (09022015). Collection method: clinical testing. Allele origin: germline.
Comment: This sequence change replaces asparagine, which is neutral and polar, with histidine, which is basic and polar, at codon 1707 of the COL6A3 protein (p.Asn1707His). This variant is present in population databases (no rsID available, gnomAD 0.006%). This variant has not been reported in the literature in individuals affected with COL6A3-related conditions. Invitae Evidence Modeling of protein sequence and biophysical properties (such as structural, functional, and spatial information, amino acid conservation, physicochemical variation, residue mobility, and thermodynamic stability) indicates that this missense variant is not expected to disrupt COL6A3 protein function with a negative predictive value of 80%. In summary, the available evidence is currently insufficient to determine the role of this variant in disease. Therefore, it has been classified as a Variant of Uncertain Significance.